The following is an entry in ClinVar:

NM_001127178.3(PIGG):c.17G>A (p.Gly6Glu)

Gene: PIGG (phosphatidylinositol glycan anchor biosynthesis class G (EMM blood group); plus strand). Cytogenetic location: 4p16.3.
Variant type: single nucleotide variant.
Coding change: c.17G>A on transcript NM_001127178.3 (MANE Select); coding-DNA position 17, G replaced by A.
Protein change: p.Gly6Glu; replaces glycine 6 with glutamic acid.
Molecular consequence: missense variant. On other transcripts: 5 prime UTR variant (9), non-coding transcript variant (10), intron variant (1).
Genome position (GRCh38, 1-based): chr4:499,352, G>A. VCF-style: chr4-499352-G-A. GRCh37 (hg19) VCF-style: chr4-493141-G-A.
Other names: c.17G>A, p.Gly6Glu (NM_001345989.2, NM_017733.5, NM_001289052.2); c.-1609G>A (NM_001345990.2); c.-1707G>A (NM_001345991.2); c.-1432G>A (NM_001345994.2); c.-114+54G>A (NM_001289051.2); c.-809G>A (NM_001289053.2); c.-420G>A (NM_001289055.2); c.-487G>A (NM_001289057.2, NM_001345986.2, NM_001345987.2); and 1 more; short protein forms G6E.
Identifiers: ClinVar variation 2188777 (VCV002188777.4), dbSNP rs2474459553, ClinGen allele CA355888368.

ClinVar aggregate classification (germline): Uncertain significance (1 of 4 stars; one submission).

Conditions:
Intellectual disability, autosomal recessive 53 (NEDHSCA). Also called: NEURODEVELOPMENTAL DISORDER WITH OR WITHOUT HYPOTONIA, SEIZURES, AND CEREBELLAR ATROPHY; GLYCOSYLPHOSPHATIDYLINOSITOL BIOSYNTHESIS DEFECT 13; Mental retardation, autosomal recessive 53. Identifiers: Orphanet 488635, MedGen C4310794, MONDO:0014832, OMIM 616917.

Allele frequency attached by ClinVar (database versions not stated): gnomAD exomes below 0.00001.
gnomAD v4.1: 2 of 1,608,980 alleles (0.00012%); highest among the groups gnomAD compares: Non-Finnish European, 0.00017%; no homozygotes.

Submission:

Labcorp Genetics (formerly Invitae), Labcorp
Classification: Uncertain significance for Intellectual disability, autosomal recessive 53. Last evaluated: 2022-01-02. Review status: criteria provided, single submitter. Criteria: Invitae Variant Classification Sherloc (09022015). Collection method: clinical testing. Allele origin: germline.
Comment: In summary, the available evidence is currently insufficient to determine the role of this variant in disease. Therefore, it has been classified as a Variant of Uncertain Significance. Algorithms developed to predict the effect of missense changes on protein structure and function are either unavailable or do not agree on the potential impact of this missense change (SIFT: "Tolerated"; PolyPhen-2: "Possibly Damaging"; Align-GVGD: "Class C0"). This variant has not been reported in the literature in individuals affected with PIGG-related conditions. This variant is not present in population databases (gnomAD no frequency). This sequence change replaces glycine, which is neutral and non-polar, with glutamic acid, which is acidic and polar, at codon 6 of the PIGG protein (p.Gly6Glu).